The following is an entry in ClinVar:

NM_001348716.2(KDM6B):c.3553A>G (p.Thr1185Ala)

Gene: KDM6B (lysine demethylase 6B; plus strand). Cytogenetic location: 17p13.1.
Variant type: single nucleotide variant.
Coding change: c.3553A>G on transcript NM_001348716.2 (MANE Select); coding-DNA position 3553, A replaced by G.
Protein change: p.Thr1185Ala; replaces threonine 1185 with alanine.
Molecular consequence: missense variant.
Genome position (GRCh38, 1-based): chr17:7,849,933, A>G. VCF-style: chr17-7849933-A-G. GRCh37 (hg19) VCF-style: chr17-7753251-A-G.
Other names: c.3553A>G, p.Thr1185Ala (NM_001080424.2); short protein forms T1185A.
Identifiers: ClinVar variation 4531683 (VCV004531683.1).
Genomic context (GRCh38, chr17:7,849,933, plus strand): 5'-TCTGTGAAACCGAAGATCAACACTGAGGAGAAGCTGCCCCGGGAAAAACTCAACCCCCCT[A>G]CACCCAGCATCTATGTATGTGTGCCACTTGGCCTCAGAACCACCCCTGCCAGAGGGTTCT-3'
Protein context (NP_001335645.1, residues 1175-1195): KLPREKLNPP[Thr1185Ala]PSIYLESKRD

ClinVar aggregate classification (germline): Uncertain significance (1 of 4 stars; one submission).

Conditions:
Neurodevelopmental disorder with coarse facies and mild distal skeletal abnormalities. Also called: STOLERMAN NEURODEVELOPMENTAL SYNDROME. Identifiers: MedGen C5193134, MONDO:0032790, OMIM 618505.

Submission:

Victorian Clinical Genetics Services, Murdoch Childrens Research Institute
Classification: Uncertain significance for Neurodevelopmental disorder with coarse facies and mild distal skeletal abnormalities. Last evaluated: 2025-10-23. Review status: criteria provided, single submitter. Criteria: ACMG Guidelines, 2015. Collection method: clinical testing. Allele origin: germline. Affected: yes.
Comment: This variant is classified as VUS-3B. Evidence in support of pathogenic classification: Variant is absent from gnomAD (v2, v3 and v4). Additional information: Variant is predicted to result in a missense amino acid change from Thr to Ala; This variant is heterozygous; This gene is associated with autosomal dominant disease; This variant has no previous evidence of pathogenicity; No published evidence of segregation with disease has been identified for this variant; No published functional evidence has been identified for this variant; Another variant type variant(s) comparable to the one identified in this case has inconclusive previous evidence for pathogenicity. p.(Thr1185Ile) has been classified once as a VUS by a clinical laboratory (ClinVar); Variant is not located in an established domain, motif, hotspot or informative constraint region; Missense variant with inconclusive in silico prediction and/or uninformative conservation; Loss of function is a known mechanism of disease in this gene and is associated with Stolerman neurodevelopmental syndrome (MIM#618505); Inheritance information for this variant is not currently available in this individual.